The following is an entry in ClinVar:

NM_000066.4(C8B):c.915G>T (p.Lys305Asn)

Gene: C8B (complement C8 beta chain; minus strand). Cytogenetic location: 1p32.2.
Variant type: single nucleotide variant.
Coding change: c.915G>T on transcript NM_000066.4 (MANE Select); coding-DNA position 915, G replaced by T.
Protein change: p.Lys305Asn; replaces lysine 305 with asparagine.
Molecular consequence: missense variant.
Genome position (GRCh38, 1-based): chr1:56,946,011, C>A on the plus strand (G>T on the coding strand, the complement: C8B is on the minus strand). VCF-style: chr1-56946011-C-A. GRCh37 (hg19) VCF-style: chr1-57411684-C-A.
Other names: c.759G>T, p.Lys253Asn (NM_001278543.2); c.729G>T, p.Lys243Asn (NM_001278544.2); short protein forms K243N, K253N, K305N.
Identifiers: ClinVar variation 1905328 (VCV001905328.3), dbSNP rs754717773, ClinGen allele CA875810.

ClinVar aggregate classification (germline): Uncertain significance (1 of 4 stars; one submission).

Allele frequency attached by ClinVar (database versions not stated): TOPMed 0.00003.

Submission:

Labcorp Genetics (formerly Invitae), Labcorp
Classification: Uncertain significance. Last evaluated: 2022-10-13. Review status: criteria provided, single submitter. Criteria: Invitae Variant Classification Sherloc (09022015). Collection method: clinical testing. Allele origin: germline.
Comment: In summary, the available evidence is currently insufficient to determine the role of this variant in disease. Therefore, it has been classified as a Variant of Uncertain Significance. Algorithms developed to predict the effect of missense changes on protein structure and function are either unavailable or do not agree on the potential impact of this missense change (SIFT: "Tolerated"; PolyPhen-2: "Possibly Damaging"; Align-GVGD: "Class C0"). This variant has not been reported in the literature in individuals affected with C8B-related conditions. This variant is not present in population databases (gnomAD no frequency). This sequence change replaces lysine, which is basic and polar, with asparagine, which is neutral and polar, at codon 305 of the C8B protein (p.Lys305Asn).